The following is an entry in ClinVar:

NM_018979.4(WNK1):c.3799C>T (p.Arg1267Ter)

Gene: WNK1 (WNK lysine deficient protein kinase 1; plus strand). Cytogenetic location: 12p13.33.
Variant type: single nucleotide variant.
Coding change: c.3799C>T on transcript NM_018979.4 (MANE Select); coding-DNA position 3799, C replaced by T.
Protein change: p.Arg1267Ter; replaces arginine 1267 with a stop codon.
Molecular consequence: nonsense.
Genome position (GRCh38, 1-based): chr12:884,198, C>T. VCF-style: chr12-884198-C-T. GRCh37 (hg19) VCF-style: chr12-993364-C-T.
Other names: c.4579C>T, p.Arg1527Ter (NM_001184985.2); c.3058C>T, p.Arg1020Ter (NM_014823.3); c.4555C>T, p.Arg1519Ter (NM_213655.5); short protein forms R1020*, R1267*, R1519*, R1527*.
Identifiers: ClinVar variation 2629768 (VCV002629768.3), dbSNP rs1592168824, ClinGen allele CA383329915.

ClinVar aggregate classification (germline): Conflicting classifications of pathogenicity. Review status: criteria provided, conflicting classifications (1 of 4 stars). 2 submissions from 2 submitters: Pathogenic (1); Uncertain significance (1). Last evaluated 2024-10-15.

Conditions:
Neuropathy, hereditary sensory and autonomic, type 2A (HSAN2A). Also called: ACROOSTEOLYSIS, GIACCAI TYPE; ACROOSTEOLYSIS, NEUROGENIC; MORVAN DISEASE; NEUROPATHY, CONGENITAL SENSORY; NEUROPATHY, HEREDITARY SENSORY RADICULAR, AUTOSOMAL RECESSIVE; NEUROPATHY, HEREDITARY SENSORY, TYPE IIA. Identifiers: Orphanet 970, MedGen C2752089, MONDO:0024309, OMIM 201300.
Pseudohypoaldosteronism type 2C (PHA2C). Also called: Pseudohypoaldosteronism Type IIC. Identifiers: Orphanet 757, Orphanet 88940, MedGen C1840391, MONDO:0013778, OMIM 614492.
WNK1-related disorder. Also called: WNK1-related condition.

Submissions (2):

Labcorp Genetics (formerly Invitae), Labcorp
Classification: Pathogenic for Neuropathy, hereditary sensory and autonomic, type 2A; Pseudohypoaldosteronism type 2C. Last evaluated: 2024-10-15. Review status: criteria provided, single submitter. Criteria: Invitae Variant Classification Sherloc (09022015). Collection method: clinical testing. Allele origin: germline.
Comment: This sequence change creates a premature translational stop signal (p.Arg1519*) in the WNK1 gene. It is expected to result in an absent or disrupted protein product. Loss-of-function variants in WNK1 are known to be pathogenic (PMID: 22910560). This variant is not present in population databases (gnomAD no frequency). This variant has not been reported in the literature in individuals affected with WNK1-related conditions. ClinVar contains an entry for this variant (Variation ID: 2629768). For these reasons, this variant has been classified as Pathogenic.

PreventionGenetics, part of Exact Sciences
Classification: Uncertain significance for WNK1-related condition. Last evaluated: 2023-02-07. Review status: criteria provided, single submitter. Criteria: ACMG Guidelines, 2015. Collection method: clinical testing. Allele origin: germline.
Comment: The WNK1 c.3799C>T variant is predicted to result in premature protein termination (p.Arg1267*). This variant would also be referred to as c.4579C>T with NM_001184985.2 and is located in exon 18. Loss-of-function variants in exon 9 (c.2140-c.3378) of transcript NM_001184985.2 have been reported in individuals with autosomal recessive hereditary sensory and autonomic neuropathy. However, loss-of-function variants outside of this exon have not been conclusively established with WNK1-related disorders (Wang. 2019. PubMed ID: 31132985; Rahmani. 2018. PubMed ID: 30497409). To our knowledge, this variant has not been reported in the literature or in a large population database, indicating this variant is rare. At this time, the clinical significance of this variant is uncertain due to the absence of conclusive functional and genetic evidence.

Literature cited by the submitters: PubMed 22910560 (cited by Labcorp Genetics (formerly Invitae), Labcorp).